The following is an entry in ClinVar:

NM_002180.3(IGHMBP2):c.1413C>G (p.Leu471=)

Gene: IGHMBP2 (immunoglobulin mu DNA binding protein 2; plus strand). Cytogenetic location: 11q13.3.
Variant type: single nucleotide variant.
Coding change: c.1413C>G on transcript NM_002180.3 (MANE Select); coding-DNA position 1413, C replaced by G.
Protein change: p.Leu471=; no amino-acid change (leucine 471 retained).
Molecular consequence: synonymous variant.
Genome position (GRCh38, 1-based): chr11:68,933,476, C>G. VCF-style: chr11-68933476-C-G. GRCh37 (hg19) VCF-style: chr11-68700944-C-G.
Identifiers: ClinVar variation 2080545 (VCV002080545.8), dbSNP rs1036050370, ClinGen allele CA223408676.

ClinVar aggregate classification (germline): Likely benign. Review status: criteria provided, multiple submitters, no conflicts (2 of 4 stars). 2 submissions from 2 submitters: Likely benign (2). Last evaluated 2026-02-01.

Conditions:
Charcot-Marie-Tooth disease axonal type 2S. Also called: CHARCOT-MARIE-TOOTH NEUROPATHY, TYPE 2S; CHARCOT-MARIE-TOOTH DISEASE, AXONAL, AUTOSOMAL RECESSIVE, TYPE 2S. Identifiers: Orphanet 443073, MedGen C4015349, MONDO:0014511, OMIM 616155.
Autosomal recessive distal spinal muscular atrophy 1. Also called: NEURONOPATHY, DISTAL HEREDITARY MOTOR, HARDING TYPE VI; NEUROPATHY, DISTAL HEREDITARY MOTOR, AUTOSOMAL RECESSIVE 1; HMN VI; NEURONOPATHY, SEVERE INFANTILE AXONAL, WITH RESPIRATORY FAILURE; SEVERE INFANTILE AXONAL NEUROPATHY WITH RESPIRATORY FAILURE; SPINAL MUSCULAR ATROPHY, DIAPHRAGMATIC. Identifiers: Orphanet 98920, MedGen C1858517, MONDO:0011436, OMIM 604320.

Allele frequency attached by ClinVar (database versions not stated): gnomAD 0.00001; TOPMed 0.00002.
gnomAD v4.1: 19 of 1,611,918 alleles (0.0012%); highest among the groups gnomAD compares: Admixed American, 0.0017%; no homozygotes.

Submissions (2):

CeGaT Center for Human Genetics Tuebingen
Classification: Likely benign. Last evaluated: 2026-02-01. Review status: criteria provided, single submitter. Criteria: CeGaT Center For Human Genetics Tuebingen Variant Classification Criteria Version 2. Collection method: clinical testing. Allele origin: germline. Affected: yes. Observed: 1 variant allele.
Comment: IGHMBP2: BP4, BP7

Labcorp Genetics (formerly Invitae), Labcorp
Classification: Likely benign for Autosomal recessive distal spinal muscular atrophy 1; Charcot-Marie-Tooth disease axonal type 2S. Last evaluated: 2024-10-21. Review status: criteria provided, single submitter. Criteria: Invitae Variant Classification Sherloc (09022015). Collection method: clinical testing. Allele origin: germline.